The following is an entry in ClinVar:

NM_018230.3(NUP133):c.2199+4del

Gene: NUP133 (nucleoporin 133; minus strand). Cytogenetic location: 1q42.13.
Variant type: Deletion.
Coding change: c.2199+4del on transcript NM_018230.3 (MANE Select); 4 bases into the intron after coding-DNA position 2199, one base deleted (C; older notation c.2199+4delC).
Molecular consequence: intron variant.
Genome position (GRCh38, 1-based): chr1:229,466,630, G deleted on the plus strand (C on the coding strand, the reverse complement: NUP133 is on the minus strand). VCF-style (leftmost placement, unchanged base first): chr1-229466629-TG-T. GRCh37 (hg19) VCF-style: chr1-229602376-TG-T.
Identifiers: ClinVar variation 3694251 (VCV003694251.2).

ClinVar aggregate classification (germline): Uncertain significance (1 of 4 stars; one submission).

Submission:

Labcorp Genetics (formerly Invitae), Labcorp
Classification: Uncertain significance. Last evaluated: 2024-12-21. Review status: criteria provided, single submitter. Criteria: Invitae Variant Classification Sherloc (09022015). Collection method: clinical testing. Allele origin: germline.
Comment: This sequence change falls in intron 16 of the NUP133 gene. It does not directly change the encoded amino acid sequence of the NUP133 protein. It affects a nucleotide within the consensus splice site. This variant is not present in population databases (gnomAD no frequency). This variant has not been reported in the literature in individuals affected with NUP133-related conditions. Variants that disrupt the consensus splice site are a relatively common cause of aberrant splicing (PMID: 17576681, 9536098). Algorithms developed to predict the effect of sequence changes on RNA splicing suggest that this variant is not likely to affect RNA splicing. In summary, the available evidence is currently insufficient to determine the role of this variant in disease. Therefore, it has been classified as a Variant of Uncertain Significance.

Literature cited by the submitters: PubMed 17576681; PubMed 9536098.